The following is an entry in ClinVar:

ClinVar aggregate classification (germline): Uncertain significance (1 of 4 stars; one submission).

Conditions:
AHDC1-related disorder. Also called: AHDC1-related condition.

gnomAD v4.1: 12 of 1,611,754 alleles (0.00074%); highest among the groups gnomAD compares: African/African-American, 0.0013%; no homozygotes.

Submission:

PreventionGenetics, part of Exact Sciences
Classification: Uncertain significance for AHDC1-related condition. Last evaluated: 2024-12-30. Review status: criteria provided, single submitter. Criteria: ACMG Guidelines, 2015. Collection method: clinical testing. Allele origin: germline.
Comment: The AHDC1 c.3865G>T variant is predicted to result in the amino acid substitution p.Ala1289Ser. To our knowledge, this variant has not been reported in the literature. This variant is reported in 0.0018% of alleles in individuals of European (Non-Finnish) descent in gnomAD. At this time, the clinical significance of this variant is uncertain due to the absence of conclusive functional and genetic evidence.

NM_001371928.1(AHDC1):c.3865G>T (p.Ala1289Ser)

Gene: AHDC1 (AT-hook DNA binding motif containing 1; minus strand). Cytogenetic location: 1p36.11.
Variant type: single nucleotide variant.
Coding change: c.3865G>T on transcript NM_001371928.1 (MANE Select); coding-DNA position 3865, G replaced by T.
Protein change: p.Ala1289Ser; replaces alanine 1289 with serine.
Molecular consequence: missense variant.
Genome position (GRCh38, 1-based): chr1:27,548,251, C>A on the plus strand (G>T on the coding strand, the complement: AHDC1 is on the minus strand). VCF-style: chr1-27548251-C-A. GRCh37 (hg19) VCF-style: chr1-27874762-C-A.
Other names: c.3865G>T, p.Ala1289Ser (NM_001029882.3); short protein forms A1289S.
Identifiers: ClinVar variation 4998514 (VCV004998514.1).
Genomic context (GRCh38, chr1:27,548,251, plus strand): 5'-TGTCCTGGAACAGTGGGTTGACTGGCTGTGGCTTGGGGATGAACTTGGCTTTGGCCGCTG[C>A]GCCACCCCGCTCCTTCTTGGCTGAGCAGGCCCCACCGCCCCGTCCACCTCGCGGCTGCCG-3'
Protein context (NP_001358857.1, residues 1279-1299): ACSAKKERGG[Ala1289Ser]AAKAKFIPKP